The following is an entry in ClinVar:

ClinVar aggregate classification (germline): Uncertain significance. Review status: criteria provided, multiple submitters, no conflicts (2 of 4 stars). 2 submissions from 2 submitters: Uncertain significance (2). Last evaluated 2025-09-28.

Conditions:
Hereditary cancer-predisposing syndrome. Also called: Hereditary Cancer Syndrome; Neoplastic Syndromes, Hereditary; Hereditary neoplastic syndrome; Tumor predisposition. Identifiers: Orphanet 140162, MedGen C0027672, MeSH D009386, MONDO:0015356.
Hereditary diffuse gastric adenocarcinoma (HDGC). Also called: DIFFUSE GASTRIC AND LOBULAR BREAST CANCER SYNDROME. Identifiers: Orphanet 26106, MedGen C1708349, MONDO:0007648, OMIM 137215.

Allele frequency attached by ClinVar (database versions not stated): gnomAD exomes below 0.00001; TOPMed below 0.00001.

Submissions (2):

Ambry Genetics
Classification: Uncertain significance for Hereditary cancer-predisposing syndrome. Last evaluated: 2025-09-28. Review status: criteria provided, single submitter. Criteria: Ambry Variant Classification Scheme 2023. Collection method: clinical testing. Allele origin: germline.
Comment: The p.N320S variant (also known as c.959A>G), located in coding exon 7 of the CDH1 gene, results from an A to G substitution at nucleotide position 959. The asparagine at codon 320 is replaced by serine, an amino acid with highly similar properties. This amino acid position is well conserved in available vertebrate species. In addition, this alteration is predicted to be tolerated by in silico analysis. Since supporting evidence is limited at this time, the clinical significance of this alteration remains unclear.

Labcorp Genetics (formerly Invitae), Labcorp
Classification: Uncertain significance for Hereditary diffuse gastric adenocarcinoma. Last evaluated: 2024-05-26. Review status: criteria provided, single submitter. Criteria: Invitae Variant Classification Sherloc (09022015). Collection method: clinical testing. Allele origin: germline.
Comment: This sequence change replaces asparagine, which is neutral and polar, with serine, which is neutral and polar, at codon 320 of the CDH1 protein (p.Asn320Ser). This variant is present in population databases (no rsID available, gnomAD 0.006%). This variant has not been reported in the literature in individuals affected with CDH1-related conditions. ClinVar contains an entry for this variant (Variation ID: 823347). An algorithm developed to predict the effect of missense changes on protein structure and function (PolyPhen-2) suggests that this variant is likely to be disruptive. In summary, the available evidence is currently insufficient to determine the role of this variant in disease. Therefore, it has been classified as a Variant of Uncertain Significance.

NM_004360.5(CDH1):c.959A>G (p.Asn320Ser)

Gene: CDH1 (cadherin 1; plus strand). Cytogenetic location: 16q22.1.
Variant type: single nucleotide variant.
Coding change: c.959A>G on transcript NM_004360.5 (MANE Select); coding-DNA position 959, A replaced by G.
Protein change: p.Asn320Ser; replaces asparagine 320 with serine.
Molecular consequence: missense variant. On other transcripts: 5 prime UTR variant (2).
Genome position (GRCh38, 1-based): chr16:68,811,810, A>G. VCF-style: chr16-68811810-A-G. GRCh37 (hg19) VCF-style: chr16-68845713-A-G.
Other names: c.959A>G, p.Asn320Ser (NM_001317184.2); c.-657A>G (NM_001317185.2); c.-861A>G (NM_001317186.2); short protein forms N320S.
Identifiers: ClinVar variation 823347 (VCV000823347.8), dbSNP rs1262816479, ClinGen allele CA396459810.